The following is an entry in ClinVar:

NM_015949.3(GET4):c.574G>A (p.Val192Met)

Gene: GET4 (guided entry of tail-anchored proteins factor 4; plus strand). Cytogenetic location: 7p22.3.
Variant type: single nucleotide variant.
Coding change: c.574G>A on transcript NM_015949.3 (MANE Select); coding-DNA position 574, G replaced by A.
Protein change: p.Val192Met; replaces valine 192 with methionine.
Molecular consequence: missense variant.
Genome position (GRCh38, 1-based): chr7:891,035, G>A. VCF-style: chr7-891035-G-A. GRCh37 (hg19) VCF-style: chr7-930672-G-A.
Other names: short protein forms V192M.
Identifiers: ClinVar variation 4291798 (VCV004291798.1).

ClinVar aggregate classification (germline): Uncertain significance (1 of 4 stars; one submission).

Conditions:
Congenital disorder of glycosylation, type IIy (CDG2Y). Also called: CDG IIy. Identifiers: MedGen C5774294, MONDO:0859356, OMIM 620200.

gnomAD v4.1: 40 of 1,609,572 alleles (0.0025%); highest among the groups gnomAD compares: Non-Finnish European, 0.0032%; no homozygotes.

Submission:

3billion
Classification: Uncertain significance for Congenital disorder of glycosylation, type IIy. Last evaluated: 2024-06-21. Review status: criteria provided, single submitter. Criteria: ACMG Guidelines, 2015. Collection method: clinical testing. Allele origin: germline. Affected: yes.
Comment: The variant is observed at an extremely low frequency in the gnomAD v4.0.0 dataset (total allele frequency: 0.002%). Predicted Consequence/Location: Missense variant Damaging effect on gene or gene product predicted by in silico programs is uncertain [REVEL: 0.53 (damaging >=0.6, benign <0.4), 3Cnet: NA (damaging >=0.6, benign <0.15)]. Therefore, this variant is classified as VUS according to the recommendation of ACMG/AMP guideline.